The following is an entry in ClinVar:

NM_001353108.3(CEP63):c.631A>G (p.Ser211Gly)

Gene: CEP63 (centrosomal protein 63; plus strand). Cytogenetic location: 3q22.2.
Variant type: single nucleotide variant.
Coding change: c.631A>G on transcript NM_001353108.3 (MANE Select); coding-DNA position 631, A replaced by G.
Protein change: p.Ser211Gly; replaces serine 211 with glycine.
Molecular consequence: missense variant. On other transcripts: non-coding transcript variant (4).
Genome position (GRCh38, 1-based): chr3:134,545,661, A>G. VCF-style: chr3-134545661-A-G. GRCh37 (hg19) VCF-style: chr3-134264503-A-G.
Other names: c.631A>G, p.Ser211Gly (NM_001042383.2, NM_001042384.2, NM_001042400.3 and 13 more transcripts); c.658A>G, p.Ser220Gly (NM_001353118.1); c.547A>G, p.Ser183Gly (NM_001353125.2); c.268A>G, p.Ser90Gly (NM_001353126.2); short protein forms S211G, S220G, S90G, S183G.
Identifiers: ClinVar variation 1973555 (VCV001973555.5), dbSNP rs2546961414, ClinGen allele CA354627518.

ClinVar aggregate classification (germline): Uncertain significance (1 of 4 stars; one submission).

Allele frequency attached by ClinVar (database versions not stated): gnomAD exomes below 0.00001.
gnomAD v4.1: 1 of 1,614,222 alleles (0.000062%); highest among the groups gnomAD compares: Non-Finnish European, 0.000085%; no homozygotes.

Submission:

Labcorp Genetics (formerly Invitae), Labcorp
Classification: Uncertain significance. Last evaluated: 2022-08-07. Review status: criteria provided, single submitter. Criteria: Invitae Variant Classification Sherloc (09022015). Collection method: clinical testing. Allele origin: germline.
Comment: In summary, the available evidence is currently insufficient to determine the role of this variant in disease. Therefore, it has been classified as a Variant of Uncertain Significance. Algorithms developed to predict the effect of missense changes on protein structure and function are either unavailable or do not agree on the potential impact of this missense change (SIFT: "Deleterious"; PolyPhen-2: "Benign"; Align-GVGD: "Class C55"). This variant has not been reported in the literature in individuals affected with CEP63-related conditions. This variant is not present in population databases (gnomAD no frequency). This sequence change replaces serine, which is neutral and polar, with glycine, which is neutral and non-polar, at codon 211 of the CEP63 protein (p.Ser211Gly).